The following is an entry in ClinVar:

NM_001999.4(FBN2):c.2772C>T (p.Leu924=)

Gene: FBN2 (fibrillin 2; minus strand). Cytogenetic location: 5q23.3.
Variant type: single nucleotide variant.
Coding change: c.2772C>T on transcript NM_001999.4 (MANE Select); coding-DNA position 2772, C replaced by T.
Protein change: p.Leu924=; no amino-acid change (leucine 924 retained).
Molecular consequence: synonymous variant.
Genome position (GRCh38, 1-based): chr5:128,350,908, G>A on the plus strand (C>T on the coding strand, the complement: FBN2 is on the minus strand). VCF-style: chr5-128350908-G-A. GRCh37 (hg19) VCF-style: chr5-127686600-G-A.
Identifiers: ClinVar variation 513035 (VCV000513035.9), dbSNP rs773453872, ClinGen allele CA3395460.

ClinVar aggregate classification (germline): Likely benign. Review status: criteria provided, multiple submitters, no conflicts (2 of 4 stars). 5 submissions from 5 submitters: Likely benign (5). Last evaluated 2024-10-30.

Conditions:
Familial thoracic aortic aneurysm and aortic dissection (TAAD). Also called: Thoracic aortic aneurysms and dissections. Identifiers: Orphanet 91387, MedGen C4707243, MONDO:0019625.
Congenital contractural arachnodactyly (CCA). Also called: BEALS SYNDROME; Arthrogryposis, distal, type 9; Beals-Hecht syndrome. Identifiers: Orphanet 115, MedGen C0220668, MONDO:0007363, OMIM 121050.

Allele frequency attached by ClinVar (database versions not stated): TOPMed 0.00001; ExAC 0.00002; gnomAD exomes 0.00002.
gnomAD v4.1: 28 of 1,613,994 alleles (0.0017%); highest among the groups gnomAD compares: Non-Finnish European, 0.0019%; no homozygotes.

Submissions (5):

ARUP Laboratories, Molecular Genetics and Genomics, ARUP Laboratories
Classification: Likely benign. Last evaluated: 2024-10-30. Review status: criteria provided, single submitter. Criteria: ARUP Molecular Germline Variant Investigation Process 2024. Collection method: clinical testing. Allele origin: germline.

Ambry Genetics
Classification: Likely benign for Familial thoracic aortic aneurysm and aortic dissection. Last evaluated: 2024-10-07. Review status: criteria provided, single submitter. Criteria: Ambry Variant Classification Scheme 2023. Collection method: clinical testing. Allele origin: germline.

Labcorp Genetics (formerly Invitae), Labcorp
Classification: Likely benign for Congenital contractural arachnodactyly. Last evaluated: 2024-04-08. Review status: criteria provided, single submitter. Criteria: Invitae Variant Classification Sherloc (09022015). Collection method: clinical testing. Allele origin: germline.

Women's Health and Genetics/Laboratory Corporation of America, LabCorp
Classification: Likely benign. Last evaluated: 2023-07-21. Review status: criteria provided, single submitter. Criteria: LabCorp Variant Classification Summary - May 2015. Collection method: clinical testing. Allele origin: germline.

GeneDx
Classification: Likely benign. Last evaluated: 2017-11-02. Review status: criteria provided, single submitter. Criteria: GeneDx Variant Classification (06012015). Collection method: clinical testing. Allele origin: germline. Affected: yes.
Comment: This variant is considered likely benign or benign based on one or more of the following criteria: it is a conservative change, it occurs at a poorly conserved position in the protein, it is predicted to be benign by multiple in silico algorithms, and/or has population frequency not consistent with disease.